The following is an entry in ClinVar:

NM_002715.4(PPP2CA):c.537T>G (p.His179Gln)

Gene: PPP2CA (protein phosphatase 2 catalytic subunit alpha; minus strand). Cytogenetic location: 5q31.1.
Variant type: single nucleotide variant.
Coding change: c.537T>G on transcript NM_002715.4 (MANE Select); coding-DNA position 537, T replaced by G.
Protein change: p.His179Gln; replaces histidine 179 with glutamine.
Molecular consequence: missense variant. On other transcripts: non-coding transcript variant (1).
Genome position (GRCh38, 1-based): chr5:134,201,024, A>C on the plus strand (T>G on the coding strand, the complement: PPP2CA is on the minus strand). VCF-style: chr5-134201024-A-C. GRCh37 (hg19) VCF-style: chr5-133536715-A-C.
Other names: c.342T>G, p.His114Gln (NM_001355019.2); short protein forms H114Q, H179Q.
Identifiers: ClinVar variation 2702663 (VCV002702663.3), dbSNP rs1401384193, ClinGen allele CA360992729.

ClinVar aggregate classification (germline): Uncertain significance (1 of 4 stars; one submission).

Submission:

Labcorp Genetics (formerly Invitae), Labcorp
Classification: Uncertain significance. Last evaluated: 2023-12-13. Review status: criteria provided, single submitter. Criteria: Invitae Variant Classification Sherloc (09022015). Collection method: clinical testing. Allele origin: germline.
Comment: This sequence change replaces histidine, which is basic and polar, with glutamine, which is neutral and polar, at codon 179 of the PPP2CA protein (p.His179Gln). This variant is not present in population databases (gnomAD no frequency). This variant has not been reported in the literature in individuals affected with PPP2CA-related conditions. Advanced modeling of protein sequence and biophysical properties (such as structural, functional, and spatial information, amino acid conservation, physicochemical variation, residue mobility, and thermodynamic stability) performed at Invitae indicates that this missense variant is not expected to disrupt PPP2CA protein function with a negative predictive value of 80%. In summary, the available evidence is currently insufficient to determine the role of this variant in disease. Therefore, it has been classified as a Variant of Uncertain Significance.